The following is an entry in ClinVar:

ClinVar aggregate classification (germline): Uncertain significance. Review status: criteria provided, multiple submitters, no conflicts (2 of 4 stars). 3 submissions from 3 submitters: Uncertain significance (3). Last evaluated 2024-12-25.

Conditions:
Sialic acid storage disease, severe infantile type (ISSD). Also called: Free sialic acid storage disease, infantile form; N-ACETYLNEURAMINIC ACID STORAGE DISEASE; NANA STORAGE DISEASE; INFANTILE SIALIC ACID STORAGE DISORDER; SIALURIA, INFANTILE FORM; Infantile Sialic Acid Storage Disease. Identifiers: Orphanet 309324, Orphanet 834, MedGen C1096902, MONDO:0010027, OMIM 269920.
Salla disease (SD). Also called: Sialuria, Finnish type; N-acetylneuraminic acid (NANA) storage disease (NSD); Infantile sialic acid storage disorder (ISSD); Less Severe FSASD (Salla Disease). Identifiers: Orphanet 309334, Orphanet 834, MedGen C1096903, MONDO:0011449, OMIM 604369.

Allele frequency attached by ClinVar (database versions not stated): gnomAD 0.00003; gnomAD exomes 0.00005 and 0.00010; TOPMed 0.00006; ExAC 0.00007; ESP Exome Variant Server 0.00015.

Submissions (3):

Labcorp Genetics (formerly Invitae), Labcorp
Classification: Uncertain significance for Salla disease. Last evaluated: 2024-12-25. Review status: criteria provided, single submitter. Criteria: Invitae Variant Classification Sherloc (09022015). Collection method: clinical testing. Allele origin: germline.
Comment: This sequence change replaces isoleucine, which is neutral and non-polar, with valine, which is neutral and non-polar, at codon 398 of the SLC17A5 protein (p.Ile398Val). This variant is present in population databases (rs374771372, gnomAD 0.2%). This variant has not been reported in the literature in individuals affected with SLC17A5-related conditions. ClinVar contains an entry for this variant (Variation ID: 357923). An algorithm developed to predict the effect of missense changes on protein structure and function outputs the following: PolyPhen-2: "Benign". The valine amino acid residue is found in multiple mammalian species, which suggests that this missense change does not adversely affect protein function. In summary, the available evidence is currently insufficient to determine the role of this variant in disease. Therefore, it has been classified as a Variant of Uncertain Significance.

Fulgent Genetics
Classification: Uncertain significance for Sialic acid storage disease, severe infantile type; Salla disease. Last evaluated: 2024-04-22. Review status: criteria provided, single submitter. Criteria: ACMG Guidelines, 2015. Collection method: clinical testing. Allele origin: germline.

Illumina Laboratory Services, Illumina
Classification: Uncertain significance for Sialic acid storage disease, severe infantile type. Last evaluated: 2018-01-12. Review status: criteria provided, single submitter. Criteria: ICSL Variant Classification Criteria 13 December 2019. Collection method: clinical testing. Allele origin: germline.

NM_012434.5(SLC17A5):c.1192A>G (p.Ile398Val)

Gene: SLC17A5 (solute carrier family 17 member 5; minus strand). Cytogenetic location: 6q13.
Variant type: single nucleotide variant.
Coding change: c.1192A>G on transcript NM_012434.5 (MANE Select); coding-DNA position 1192, A replaced by G.
Protein change: p.Ile398Val; replaces isoleucine 398 with valine.
Molecular consequence: missense variant.
Genome position (GRCh38, 1-based): chr6:73,610,467, T>C on the plus strand (A>G on the coding strand, the complement: SLC17A5 is on the minus strand). VCF-style: chr6-73610467-T-C. GRCh37 (hg19) VCF-style: chr6-74320190-T-C.
Other names: short protein forms I398V.
Identifiers: ClinVar variation 357923 (VCV000357923.9), dbSNP rs374771372, ClinGen allele CA3890324.
Genomic context (GRCh38, chr6:73,610,467, plus strand): 5'-CAATATCCAGATGGTTGATGCTAAATCCAGAAGAGCAAAAGCCTCCCAGTGTTGTTGATA[T>C]AGTTAGGAAAGCAACGGCCAAAGAATAATCACAGCCAATGAAGCCAGCAGCTACCAGGAA-3'
Protein context (NP_036566.1, residues 388-408): DYSLAVAFLT[Ile398Val]STTLGGFCSS